The following is an entry in ClinVar:

ClinVar aggregate classification (germline): Uncertain significance. Review status: criteria provided, multiple submitters, no conflicts (2 of 4 stars). 2 submissions from 2 submitters: Uncertain significance (2). Last evaluated 2024-09-04.

Conditions:
Inborn genetic diseases. Identifiers: MedGen C0950123, MeSH D030342.

Allele frequency attached by ClinVar (database versions not stated): ExAC 0.00002; gnomAD exomes 0.00002 and 0.00003; gnomAD 0.00004; TOPMed 0.00004.

Submissions (2):

GeneDx
Classification: Uncertain significance. Last evaluated: 2024-09-04. Review status: criteria provided, single submitter. Criteria: GeneDx Variant Classification Process June 2021. Collection method: clinical testing. Allele origin: germline. Affected: yes.
Comment: Not observed at significant frequency in large population cohorts (gnomAD); In silico analysis indicates that this missense variant does not alter protein structure/function; Has not been previously published as pathogenic or benign to our knowledge; This variant is associated with the following publications: (PMID: 21529752)

Ambry Genetics
Classification: Uncertain significance for Inborn genetic diseases. Last evaluated: 2022-08-16. Review status: criteria provided, single submitter. Criteria: Ambry Variant Classification Scheme 2023. Collection method: clinical testing. Allele origin: germline.

NM_017668.3(NDE1):c.809A>G (p.Lys270Arg)

Gene: NDE1 (nudE neurodevelopment protein 1; plus strand). Cytogenetic location: 16p13.11.
Variant type: single nucleotide variant.
Coding change: c.809A>G on transcript NM_017668.3 (MANE Select); coding-DNA position 809, A replaced by G.
Protein change: p.Lys270Arg; replaces lysine 270 with arginine.
Molecular consequence: missense variant.
Genome position (GRCh38, 1-based): chr16:15,696,722, A>G. VCF-style: chr16-15696722-A-G. GRCh37 (hg19) VCF-style: chr16-15790579-A-G.
Other names: c.809A>G, p.Lys270Arg (NM_001143979.2); short protein forms K270R.
Identifiers: ClinVar variation 1312980 (VCV001312980.5), dbSNP rs749264569, ClinGen allele CA7920856.